The following is an entry in ClinVar:

NM_078480.3(PUF60):c.24+1G>A

Genes: PUF60 (poly(U) binding splicing factor 60; minus strand), LOC126860549 (MED14-independent group 3 enhancer GRCh37_chr8:144911577-144912776; plus strand). Cytogenetic location: 8q24.3.
Variant type: single nucleotide variant.
Coding change: c.24+1G>A on transcript NM_078480.3 (MANE Select); the canonical splice donor site of the intron after coding-DNA position 24, G replaced by A.
Molecular consequence: splice donor variant.
Genome position (GRCh38, 1-based): chr8:143,829,279, C>T on the plus strand (G>A on the coding strand, the complement: PUF60 is on the minus strand). VCF-style: chr8-143829279-C-T. GRCh37 (hg19) VCF-style: chr8-144911449-C-T.
Other names: c.24+1G>A (NM_001271097.2, NM_001271099.2, NM_001271096.2 and 2 more transcripts).
Identifiers: ClinVar variation 421831 (VCV000421831.6), dbSNP rs1064795388, ClinGen allele CA16618606.

ClinVar aggregate classification (germline): Pathogenic/Likely pathogenic. Review status: criteria provided, multiple submitters, no conflicts (2 of 4 stars). 2 submissions from 2 submitters: Pathogenic (1); Likely pathogenic (1). Last evaluated 2024-02-12.

Submissions (2):

GeneDx
Classification: Pathogenic. Last evaluated: 2024-02-12. Review status: criteria provided, single submitter. Criteria: GeneDx Variant Classification Process June 2021. Collection method: clinical testing. Allele origin: germline. Affected: yes.
Comment: Canonical splice site variant predicted to result in a null allele in a gene for which loss of function is a known mechanism of disease; Not observed in large population cohorts (gnomAD); This variant is associated with the following publications: (PMID: 28327570)

Bristol Genetics Laboratory, North Bristol NHS Trust
Classification: Likely pathogenic. Last evaluated: 2017-01-19. Review status: criteria provided, single submitter. Criteria: ACGS Guidelines, 2013. Collection method: research. Allele origin: de novo. Affected: yes. Observed: 1 heterozygote.

Literature cited by the submitters: PubMed 28327570 (cited by Bristol Genetics Laboratory, North Bristol NHS Trust).